The following is an entry in ClinVar:

NM_001164508.2(NEB):c.10079_10093del (p.Trp3360_Asp3365delinsTyr)

Gene: NEB (nebulin; minus strand). Cytogenetic location: 2q23.3.
Variant type: Deletion.
Coding change: c.10079_10093del on transcript NM_001164508.2 (MANE Select); coding-DNA positions 10079 to 10093, 15 bases deleted (GGACGTGCCTGCCCG).
Protein change: p.Trp3360_Asp3365delinsTyr.
Molecular consequence: inframe indel.
Genome position (GRCh38, 1-based): chr2:151,627,573-151,627,587, CGGGCAGGCACGTCC deleted on the plus strand (GGACGTGCCTGCCCG on the coding strand, the reverse complement: NEB is on the minus strand). VCF-style (leftmost placement, unchanged base first): chr2-151627572-TCGGGCAGGCACGTCC-T. GRCh37 (hg19) VCF-style: chr2-152484086-TCGGGCAGGCACGTCC-T.
Other names: c.10079_10093del, p.Trp3360_Asp3365delinsTyr (NM_001164507.2, NM_001271208.2); c.9350_9364del, p.Trp3117_Asp3122delinsTyr (NM_004543.5).
Identifiers: ClinVar variation 5004790 (VCV005004790.1).

ClinVar aggregate classification (germline): Uncertain significance (1 of 4 stars; one submission).

Conditions:
Nemaline myopathy 2 (NEM2). Also called: Nemaline myopathy 2, autosomal recessive. Identifiers: MedGen C1850569, MONDO:0009725, OMIM 256030.

Submission:

Myriad Genetics, Inc.
Classification: Uncertain significance for Nemaline myopathy 2. Last evaluated: 2026-07-15. Review status: criteria provided, single submitter. Criteria: Myriad Autosomal Dominant, Autosomal Recessive and X-Linked Classification Criteria (2023). Collection method: clinical testing. Allele origin: unknown.
Comment: NM_001271208.1(NEB):c.10079_10093del15(W3360_D3365delinsY) is an in-frame deletion classified as a variant of uncertain significance in the context of NEB-related nemaline myopathy. W3360_D3365delinsY has not been observed in cases with relevant disease. Relevant functional assessments of this variant are not available in the literature. W3360_D3365delinsY has not been observed in referenced population frequency databases. In summary, there is insufficient evidence to classify NM_001271208.1(NEB):c.10079_10093del15(W3360_D3365delinsY) as pathogenic or benign. Please note: this variant was assessed in the context of healthy population screening.